The following is an entry in ClinVar:

ClinVar aggregate classification (germline): Likely benign (0 of 4 stars; one submission).

Conditions:
SPNS2-related disorder. Also called: SPNS2-related condition.

Submission:

PreventionGenetics, part of Exact Sciences
Classification: Likely benign for SPNS2-related condition. Last evaluated: 2024-03-18. Review status: no assertion criteria provided. Collection method: clinical testing. Allele origin: germline.
Comment: This variant is classified as likely benign based on ACMG/AMP sequence variant interpretation guidelines (Richards et al. 2015 PMID: 25741868, with internal and published modifications).

NM_001124758.3(SPNS2):c.935+3G>T

Gene: SPNS2 (SPNS lysolipid transporter 2, sphingosine-1-phosphate; plus strand). Cytogenetic location: 17p13.2.
Variant type: single nucleotide variant.
Coding change: c.935+3G>T on transcript NM_001124758.3 (MANE Select); 3 bases into the intron after coding-DNA position 935, G replaced by T.
Molecular consequence: intron variant.
Genome position (GRCh38, 1-based): chr17:4,532,687, G>T. VCF-style: chr17-4532687-G-T. GRCh37 (hg19) VCF-style: chr17-4435982-G-T.
Identifiers: ClinVar variation 3354408 (VCV003354408.1).